The following is an entry in ClinVar:

ClinVar aggregate classification (germline): Uncertain significance (1 of 4 stars; one submission).

Submission:

GeneDx
Classification: Uncertain significance. Last evaluated: 2026-03-27. Review status: criteria provided, single submitter. Criteria: GeneDx Variant Classification Process June 2021. Collection method: clinical testing. Allele origin: germline.
Comment: Not observed at significant frequency in large population cohorts (gnomAD); In silico analysis supports that this missense variant has a deleterious effect on protein structure/function; Has not been previously published as pathogenic or benign to our knowledge

NM_001148.6(ANK2):c.3394G>A (p.Glu1132Lys)

Gene: ANK2 (ankyrin 2; plus strand). Cytogenetic location: 4q26.
Variant type: single nucleotide variant.
Coding change: c.3394G>A on transcript NM_001148.6 (MANE Select); coding-DNA position 3394, G replaced by A.
Protein change: p.Glu1132Lys; replaces glutamic acid 1132 with lysine.
Molecular consequence: missense variant.
Genome position (GRCh38, 1-based): chr4:113,335,860, G>A. VCF-style: chr4-113335860-G-A. GRCh37 (hg19) VCF-style: chr4-114257016-G-A.
Other names: c.3439G>A, p.Glu1147Lys (NM_001354240.2, NM_001354241.2, NM_001386144.1); c.3436G>A, p.Glu1146Lys (NM_001354242.2, NM_001354231.2); c.3331G>A, p.Glu1111Lys (NM_001354243.2, NM_001354255.2, NM_001386143.1); c.3328G>A, p.Glu1110Lys (NM_001354244.2, NM_001354256.2, NM_001386161.1); c.3232G>A, p.Glu1078Lys (NM_001354245.2, NM_001354262.2, NM_001354275.2); c.3391G>A, p.Glu1131Lys (NM_001354246.2, NM_001354265.2, NM_001354235.2); c.3208G>A, p.Glu1070Lys (NM_001354249.2, NM_001354266.2, NM_001354267.2 and 6 more transcripts); c.3364G>A, p.Glu1122Lys (NM_001354252.2, NM_001354239.2); and 30 more; short protein forms E1004K, E1032K, E1037K, E1045K, E1057K, E1061K, E1065K, E1066K.
Identifiers: ClinVar variation 5017472 (VCV005017472.1).